The following is an entry in ClinVar:

ClinVar aggregate classification (germline): Uncertain significance (1 of 4 stars; one submission).

Submission:

Labcorp Genetics (formerly Invitae), Labcorp
Classification: Uncertain significance. Last evaluated: 2024-01-22. Review status: criteria provided, single submitter. Criteria: Invitae Variant Classification Sherloc (09022015). Collection method: clinical testing. Allele origin: germline.
Comment: This sequence change replaces cysteine, which is neutral and slightly polar, with phenylalanine, which is neutral and non-polar, at codon 98 of the C1QTNF5 protein (p.Cys98Phe). This variant is not present in population databases (gnomAD no frequency). This variant has not been reported in the literature in individuals affected with C1QTNF5-related conditions. ClinVar contains an entry for this variant (Variation ID: 1992853). An algorithm developed to predict the effect of missense changes on protein structure and function (PolyPhen-2) suggests that this variant is likely to be disruptive. In summary, the available evidence is currently insufficient to determine the role of this variant in disease. Therefore, it has been classified as a Variant of Uncertain Significance.

NM_001278431.2(C1QTNF5):c.293G>T (p.Cys98Phe)

Genes: C1QTNF5 (C1q and TNF related 5; minus strand), MFRP (membrane frizzled-related protein; minus strand). Cytogenetic location: 11q23.3.
Variant type: single nucleotide variant.
Coding change: c.293G>T on transcript NM_001278431.2 (MANE Select); coding-DNA position 293, G replaced by T.
Protein change: p.Cys98Phe; replaces cysteine 98 with phenylalanine.
Molecular consequence: missense variant. On other transcripts: 3 prime UTR variant (1).
Genome position (GRCh38, 1-based): chr11:119,339,770, C>A on the plus strand (G>T on the coding strand, the complement: C1QTNF5 is on the minus strand). VCF-style: chr11-119339770-C-A. GRCh37 (hg19) VCF-style: chr11-119210480-C-A.
Other names: c.293G>T, p.Cys98Phe (NM_015645.5); c.*1189G>T (NM_031433.4); short protein forms C98F.
Identifiers: ClinVar variation 1992853 (VCV001992853.4), dbSNP rs2497072192, ClinGen allele CA382969944.